The following is an entry in ClinVar:

NM_001903.5(CTNNA1):c.1547-6C>T

Gene: CTNNA1 (catenin alpha 1; plus strand). Cytogenetic location: 5q31.2.
Variant type: single nucleotide variant.
Coding change: c.1547-6C>T on transcript NM_001903.5 (MANE Select); 6 bases into the intron before coding-DNA position 1547, C replaced by T.
Molecular consequence: intron variant.
Genome position (GRCh38, 1-based): chr5:138,924,504, C>T. VCF-style: chr5-138924504-C-T. GRCh37 (hg19) VCF-style: chr5-138260193-C-T.
Other names: c.1547-6C>T (NM_001323982.2, NM_001323984.2, NM_001290307.3 and 2 more transcripts); c.1454-6C>T (NM_001323986.2); c.1178-6C>T (NM_001290310.3); c.1238-6C>T (NM_001290309.3); c.437-6C>T (NM_001323996.1, NM_001323993.1, NM_001324005.1 and 17 more transcripts); c.98-6C>T (NM_001324007.1, NM_001324009.1, NM_001324006.1 and 2 more transcripts); c.194-6C>T (NM_001324013.1, NM_001324012.1); c.344-6C>T (NM_001324011.1).
Identifiers: ClinVar variation 3773281 (VCV003773281.1).

ClinVar aggregate classification (germline): Likely benign (1 of 4 stars; one submission).

Conditions:
Hereditary diffuse gastric adenocarcinoma (HDGC). Also called: DIFFUSE GASTRIC AND LOBULAR BREAST CANCER SYNDROME. Identifiers: Orphanet 26106, MedGen C1708349, MONDO:0007648, OMIM 137215.

gnomAD v4.1: 4 of 1,613,624 alleles (0.00025%); highest among the groups gnomAD compares: Non-Finnish European, 0.00034%; no homozygotes.

Submission:

Myriad Genetics, Inc.
Classification: Likely benign for Hereditary diffuse gastric adenocarcinoma. Last evaluated: 2024-10-11. Review status: criteria provided, single submitter. Criteria: Myriad Autosomal Dominant, Autosomal Recessive and X-Linked Classification Criteria (2023). Collection method: clinical testing. Allele origin: unknown.
Comment: This variant is considered likely benign. This variant is intronic and is not expected to impact mRNA splicing.